The following is an entry in ClinVar:

ClinVar aggregate classification (germline): Uncertain significance (1 of 4 stars; one submission).

Conditions:
ZTTK syndrome (ZTTKS). Also called: ZTTK MULTIPLE CONGENITAL ANOMALIES-MENTAL RETARDATION SYNDROME; Zhu-Tokita-Takenouchi-Kim Syndrome. Identifiers: Orphanet 500150, MedGen C4310696, MONDO:0014936, OMIM 617140.

gnomAD v4.1: 3 of 1,612,330 alleles (0.00019%); highest among the groups gnomAD compares: Non-Finnish European, 0.00025%; no homozygotes.

Submission:

Neuberg Centre For Genomic Medicine, NCGM
Classification: Uncertain significance for ZTTK syndrome. Last evaluated: 2023-05-20. Review status: criteria provided, single submitter. Criteria: ACMG Guidelines, 2015. Collection method: clinical testing. Allele origin: germline. Inheritance: Autosomal dominant inheritance. Affected: yes.
Comment: The missense variant c.2461A>G (p.Met821Val) in the SON gene has not been reported previously as a pathogenic variant nor as a benign variant, to our knowledge. This variant is absent in the gnomAD Exomes. The amino acid Methionine at position 821 is changed to a Valine changing protein sequence and it might alter its composition and physico-chemical properties. Multiple lines of computational evidence (Polyphen - Damaging, SIFT - Damaging and MutationTaster - Disease causing) predict a damaging effect on protein structure and function for this variant. The amino acid change p.Met821Val in SON is predicted as conserved by GERP++ and PhyloP across 100 vertebrates. For these reasons, this variant has been classified as Uncertain Significance.

NM_138927.4(SON):c.2461A>G (p.Met821Val)

Gene: SON (SON DNA and RNA binding protein; plus strand). Cytogenetic location: 21q22.11.
Variant type: single nucleotide variant.
Coding change: c.2461A>G on transcript NM_138927.4 (MANE Select); coding-DNA position 2461, A replaced by G.
Protein change: p.Met821Val; replaces methionine 821 with valine.
Molecular consequence: missense variant. On other transcripts: non-coding transcript variant (1), intron variant (1).
Genome position (GRCh38, 1-based): chr21:33,551,692, A>G. VCF-style: chr21-33551692-A-G. GRCh37 (hg19) VCF-style: chr21-34923998-A-G.
Other names: c.2461A>G, p.Met821Val (NM_001291411.2, NM_032195.3); c.244+5313A>G (NM_001291412.3); short protein forms M821V.
Identifiers: ClinVar variation 3367037 (VCV003367037.1).